The following is an entry in ClinVar:

ClinVar aggregate classification (germline): Uncertain significance (1 of 4 stars; one submission).

Allele frequency attached by ClinVar (database versions not stated): gnomAD exomes below 0.00001; TOPMed below 0.00001; gnomAD 0.00001.
gnomAD v4.1: 4 of 1,610,738 alleles (0.00025%); highest among the groups gnomAD compares: Non-Finnish European, 0.00034%; no homozygotes.

Submission:

Laboratory for Molecular Medicine, Mass General Brigham Personalized Medicine
Classification: Uncertain significance. Last evaluated: 2017-12-21. Review status: criteria provided, single submitter. Criteria: LMM Criteria. Collection method: clinical testing. Allele origin: germline. Observed: 1 variant allele.
Comment: The c.1459+2C>T variant in COL4A4 has not been previously reported in individual s with hearing loss or Alport syndrome, but has been identified in 1/111608 Euro pean chromosomes by the Genome Aggregation Database (gnomAD; dbSNP rs932962404). Although this variant has been seen in the g eneral population, its frequency is not high enough to rule out a pathogenic rol e. This variant occurs in the invariant region (+/- 1/2) of the splice consensus sequence but computational tools do not suggest an impact to splicing. However, this information is not predictive enough to rule out pathogenicity. In summary , the clinical significance of the c.1459+2C>T variant is uncertain. ACMG/AMP Cr iteria applied: PM2.

NM_000092.5(COL4A4):c.1459+2C>T

Gene: COL4A4 (collagen type IV alpha 4 chain; minus strand). Cytogenetic location: 2q36.3.
Variant type: single nucleotide variant.
Coding change: c.1459+2C>T on transcript NM_000092.5 (MANE Select); the canonical splice donor site of the intron after coding-DNA position 1459, C replaced by T.
Molecular consequence: splice donor variant.
Genome position (GRCh38, 1-based): chr2:227,089,866, G>A on the plus strand (C>T on the coding strand, the complement: COL4A4 is on the minus strand). VCF-style: chr2-227089866-G-A. GRCh37 (hg19) VCF-style: chr2-227954582-G-A.
Identifiers: ClinVar variation 506228 (VCV000506228.4), dbSNP rs932962404, ClinGen allele CA66551216.